The following is an entry in ClinVar:

NM_006744.4(RBP4):c.324_349del (p.Tyr108_Lys117delinsTer)

Gene: RBP4 (retinol binding protein 4; minus strand). Cytogenetic location: 10q23.33.
Variant type: Deletion.
Coding change: c.324_349del on transcript NM_006744.4 (MANE Select); coding-DNA positions 324 to 349, 26 bases deleted (CTGGGGCGTAGCCTCCTTTCTCCAGA).
Protein change: p.Tyr108_Lys117delinsTer.
Molecular consequence: nonsense.
Genome position (GRCh38, 1-based): chr10:93,600,399-93,600,424, TCTGGAGAAAGGAGGCTACGCCCCAG deleted on the plus strand (CTGGGGCGTAGCCTCCTTTCTCCAGA on the coding strand, the reverse complement: RBP4 is on the minus strand); deleting any 26 consecutive bases within chr10:93,600,399-93,600,425 gives the same sequence; the c. name uses the placement nearest the transcript's 3' end. VCF-style (leftmost placement, unchanged base first): chr10-93600398-TTCTGGAGAAAGGAGGCTACGCCCCAG-T. GRCh37 (hg19) VCF-style: chr10-95360155-TTCTGGAGAAAGGAGGCTACGCCCCAG-T.
Other names: c.324_349del, p.Tyr108_Lys117delinsTer (NM_001323517.1); c.318_343del, p.Tyr106_Lys115delinsTer (NM_001323518.2).
Identifiers: ClinVar variation 2125118 (VCV002125118.4), dbSNP rs2494068271, ClinGen allele CA2580082344.

ClinVar aggregate classification (germline): Pathogenic (1 of 4 stars; one submission).

Submission:

Labcorp Genetics (formerly Invitae), Labcorp
Classification: Pathogenic. Last evaluated: 2022-04-12. Review status: criteria provided, single submitter. Criteria: Invitae Variant Classification Sherloc (09022015). Collection method: clinical testing. Allele origin: germline.
Comment: For these reasons, this variant has been classified as Pathogenic. This variant has not been reported in the literature in individuals affected with RBP4-related conditions. This variant is not present in population databases (gnomAD no frequency). This sequence change creates a premature translational stop signal (p.Tyr108*) in the RBP4 gene. It is expected to result in an absent or disrupted protein product. Loss-of-function variants in RBP4 are known to be pathogenic (PMID: 23189188, 26974396, 28041643).

Literature cited by the submitters: PubMed 23189188; PubMed 26974396; PubMed 28041643.